The following is an entry in ClinVar:

NM_006901.4(MYO9A):c.2303G>A (p.Ser768Asn)

Gene: MYO9A (myosin IXA; minus strand). Cytogenetic location: 15q23.
Variant type: single nucleotide variant.
Coding change: c.2303G>A on transcript NM_006901.4 (MANE Select); coding-DNA position 2303, G replaced by A.
Protein change: p.Ser768Asn; replaces serine 768 with asparagine.
Molecular consequence: missense variant.
Genome position (GRCh38, 1-based): chr15:71,938,927, C>T on the plus strand (G>A on the coding strand, the complement: MYO9A is on the minus strand). VCF-style: chr15-71938927-C-T. GRCh37 (hg19) VCF-style: chr15-72231268-C-T.
Other names: c.2303G>A (NM_006901.2); short protein forms S768N.
Identifiers: ClinVar variation 733376 (VCV000733376.25), dbSNP rs201780029, ClinGen allele CA7641902.
Genomic context (GRCh38, chr15:71,938,927, plus strand): 5'-TTTAGAGCATTCATGCCCTGGAGATCAGAAAGAGGTGTTCTGGGATTTTTCCGGGTTATA[C>T]CTAGCAAAATTTAAAAAACAGAAAATTTCAAATCAGTGCAAAGAAAAATGAAACGTGAAA-3'
Protein context (NP_008832.2, residues 758-778): ILQRCKEEKY[Ser768Asn]ITRKNPRTPL

ClinVar aggregate classification (germline): Benign/Likely benign. Review status: criteria provided, multiple submitters, no conflicts (2 of 4 stars). 4 submissions from 4 submitters: Benign (1); Likely benign (2). 1 of the submissions does not count toward it. Last evaluated 2024-11-01.

Conditions:
Inborn genetic diseases. Identifiers: MedGen C0950123, MeSH D030342.
MYO9A-related disorder. Also called: MYO9A-related condition.

Allele frequency attached by ClinVar (database versions not stated): gnomAD 0.00013 and 0.00039; ESP Exome Variant Server 0.00015; TOPMed 0.00020; 1000 Genomes Project 30x 0.00125; 1000 Genomes Project 0.00140; gnomAD exomes 0.00148; ExAC 0.00166.
gnomAD v4.1: 1,127 of 1,604,080 alleles (0.07%); highest among the groups gnomAD compares: South Asian, 1%; 11 homozygotes.

Submissions (4):

CeGaT Center for Human Genetics Tuebingen
Classification: Likely benign. Last evaluated: 2024-11-01. Review status: criteria provided, single submitter. Criteria: CeGaT Center For Human Genetics Tuebingen Variant Classification Criteria Version 2. Collection method: clinical testing. Allele origin: germline. Affected: yes. Observed: 2 variant alleles.
Comment: MYO9A: BS1

Ambry Genetics
Classification: Likely benign for Inborn genetic diseases. Last evaluated: 2022-07-20. Review status: criteria provided, single submitter. Criteria: Ambry Variant Classification Scheme 2023. Collection method: clinical testing. Allele origin: germline.

Labcorp Genetics (formerly Invitae), Labcorp
Classification: Benign. Last evaluated: 2019-12-31. Review status: criteria provided, single submitter. Criteria: Invitae Variant Classification Sherloc (09022015). Collection method: clinical testing. Allele origin: germline.

PreventionGenetics, part of Exact Sciences
Classification: Benign for MYO9A-related condition. Last evaluated: 2019-07-02. Review status: no assertion criteria provided. Collection method: clinical testing. Allele origin: germline. Not counted in ClinVar's aggregate classification.
Comment: This variant is classified as benign based on ACMG/AMP sequence variant interpretation guidelines (Richards et al. 2015 PMID: 25741868, with internal and published modifications).